The following is an entry in ClinVar:

NM_207361.6(FREM2):c.7105dup (p.Val2369fs)

Gene: FREM2 (FRAS1 related extracellular matrix 2; plus strand). Cytogenetic location: 13q13.3.
Variant type: Duplication.
Coding change: c.7105dup on transcript NM_207361.6 (MANE Select); coding-DNA position 7105, one base duplicated (G; older notation c.7105dupG).
Protein change: p.Val2369fs; shifts the reading frame from valine 2369.
Molecular consequence: frameshift variant.
Genome position (GRCh38, 1-based): chr13:38,857,923, G duplicated. VCF-style (leftmost placement, unchanged base first): chr13-38857922-T-TG. GRCh37 (hg19) VCF-style: chr13-39432059-T-TG.
Other names: short protein forms V2369fs.
Identifiers: ClinVar variation 2864788 (VCV002864788.3), dbSNP rs2541494324, ClinGen allele CA2739277559.

ClinVar aggregate classification (germline): Pathogenic (1 of 4 stars; one submission).

Submission:

Labcorp Genetics (formerly Invitae), Labcorp
Classification: Pathogenic. Last evaluated: 2023-05-16. Review status: criteria provided, single submitter. Criteria: Invitae Variant Classification Sherloc (09022015). Collection method: clinical testing. Allele origin: germline.
Comment: This sequence change creates a premature translational stop signal (p.Val2369Glyfs*16) in the FREM2 gene. It is expected to result in an absent or disrupted protein product. Loss-of-function variants in FREM2 are known to be pathogenic (PMID: 18203166, 26552811). This variant is not present in population databases (gnomAD no frequency). This variant has not been reported in the literature in individuals affected with FREM2-related conditions. For these reasons, this variant has been classified as Pathogenic.

Literature cited by the submitters: PubMed 18203166; PubMed 26552811.